The following is an entry in ClinVar:

NM_001267550.2(TTN):c.44425-4C>G

Gene: TTN (titin; minus strand). Cytogenetic location: 2q31.2.
Variant type: single nucleotide variant.
Coding change: c.44425-4C>G on transcript NM_001267550.2 (MANE Select); 4 bases into the intron before coding-DNA position 44425, C replaced by G.
Molecular consequence: intron variant.
Genome position (GRCh38, 1-based): chr2:178,625,400, G>C on the plus strand (C>G on the coding strand, the complement: TTN is on the minus strand). VCF-style: chr2-178625400-G-C. GRCh37 (hg19) VCF-style: chr2-179490127-G-C.
Other names: c.17230-4C>G (NM_003319.4); c.17806-4C>G (NM_133437.4); c.17605-4C>G (NM_133432.3); c.36721-4C>G (NM_133378.4); c.39502-4C>G (NM_001256850.1).
Identifiers: ClinVar variation 4526925 (VCV004526925.2).
Genomic context (GRCh38, chr2:178,625,400, plus strand): 5'-TAACTTTACATCCCTCAGAGTAAGTGTATGAACTTTTCCTTCTGAACGTGGGACCACCTA[G>C]TTGTTTTTAAAAAAAGAATACATGAAACAGCAATCTAGTATATGGGTGCATTTAATTCAT-3'

ClinVar aggregate classification (germline): Likely pathogenic (1 of 4 stars; one submission).

Submission:

GeneDx
Classification: Likely pathogenic. Last evaluated: 2026-03-27. Review status: criteria provided, single submitter. Criteria: GeneDx Variant Classification Process June 2021. Collection method: clinical testing. Allele origin: germline.
Comment: Has not been previously published as pathogenic or benign to our knowledge; Not observed at significant frequency in large population cohorts (gnomAD); RNA studies demonstrate a damaging effect: approximately 20% of the sequenced reads showed aberrant splicing (External communication with another laboratory); In silico analysis supports a deleterious effect on splicing